The following continues an entry in ClinVar:

NM_000492.4(CFTR):c.350G>T (p.Arg117Leu)

Gene: CFTR. ClinVar aggregate classification (germline): Pathogenic/Likely pathogenic. Pathogenic (6); Likely pathogenic (3).

Submissions 7 to 11 of 11:

Ambry Genetics
Classification: Pathogenic for Cystic fibrosis. Last evaluated: 2023-09-11. Review status: criteria provided, single submitter. Criteria: Ambry Variant Classification Scheme 2023. Collection method: clinical testing. Allele origin: germline.
Comment: The p.R117L pathogenic mutation (also known as c.350G>T), located in coding exon 4 of the CFTR gene, results from a G to T substitution at nucleotide position 350. The arginine at codon 117 is replaced by leucine, an amino acid with dissimilar properties. This variant has been reported as a variant of varying clinical consequences (VVCC) (Sosnay PR et al. Pediatr. Clin. North Am., 2016 08;63:585-98; The Clinical and Functional TRanslation of CFTR (CFTR2); available at CFTR2. Accessed April 4, 2019). This mutation has been described in trans with a pathogenic mutation in individuals with a range of clinical phenotypes including: congenital bilateral absence of the vas deferens (CBAVD) with increased sweat chloride levels and no other signs of disease, mild cystic fibrosis (CF) with pancreatic sufficiency, and classic CF with pancreatic insufficiency. It has been most commonly reported as part of a complex allele p.[R117L;L997F]. When CFTR gating activity was measured on epithelial nasal cells, activity was measured at 39% of wild-type in an individual homozygous for the complex allele, while it was 19.5% in a patient compound heterozygous for a different pathogenic mutation (Lucarelli M et al. Mol. Med., 2015 Apr;21:257-75; Terlizzi V et al. J. Med. Genet., 2017 Apr;54:224-235). In addition, the disease-causing mutation p.R117H has been described in the same codon. Based on the supporting evidence, this alteration is interpreted as a disease-causing mutation.

Genome-Nilou Lab
Classification: Likely pathogenic for Cystic fibrosis. Last evaluated: 2021-07-22. Review status: criteria provided, single submitter. Criteria: ACMG Guidelines, 2015. Collection method: clinical testing. Allele origin: germline. Affected: no.

Johns Hopkins Genomics, Johns Hopkins University
Classification: Pathogenic for Cystic fibrosis. Last evaluated: 2019-12-08. Review status: criteria provided, single submitter. Criteria: ACMG Guidelines, 2015. Collection method: clinical testing. Allele origin: germline.
Comment: CFTR variant associated with variable clinical consequences. See CFTR2 for phenotype information.

Counsyl
Classification: Uncertain significance for Cystic fibrosis. Last evaluated: 2018-05-21. Review status: no assertion criteria provided. Collection method: clinical testing. Allele origin: unknown. Not counted in ClinVar's aggregate classification.

ClinVar Staff, National Center for Biotechnology Information (NCBI)
No classification provided. Condition: CFTR-related disorders. Review status: no classification provided. Collection method: literature only. Allele origin: germline. Affected: yes. Not counted in ClinVar's aggregate classification.

Literature cited by the submitters: PubMed 10970190 (cited by Natera, Inc.); PubMed 28751714 (cited by Natera, Inc.); PubMed 12829453 (cited by 3 submitters); PubMed 38388235 (cited by 3 submitters); PubMed 20706124 (cited by 5 submitters); PubMed 27738188 (cited by 4 submitters); PubMed 11278813 (cited by 3 submitters); PubMed 30046002 (cited by Labcorp Genetics (formerly Invitae), Labcorp and Women's Health and Genetics/Laboratory Corporation of America, LabCorp); PubMed 7525450 (cited by Labcorp Genetics (formerly Invitae), Labcorp); PubMed 15482777 (cited by Labcorp Genetics (formerly Invitae), Labcorp); PubMed 21783433 (cited by Labcorp Genetics (formerly Invitae), Labcorp); PubMed 22658665 (cited by Labcorp Genetics (formerly Invitae), Labcorp); PubMed 23974870 (cited by Labcorp Genetics (formerly Invitae), Labcorp); PubMed 24586523 (cited by Labcorp Genetics (formerly Invitae), Labcorp); PubMed 39598243 (cited by Quest Diagnostics Nichols Institute San Juan Capistrano); PubMed 25910067 (cited by 3 submitters); PubMed 7541510 (cited by 3 submitters); PubMed 12014388 (cited by Quest Diagnostics Nichols Institute San Juan Capistrano and Women's Health and Genetics/Laboratory Corporation of America, LabCorp); PubMed 30509709 (cited by Quest Diagnostics Nichols Institute San Juan Capistrano); PubMed 38203285 (cited by Quest Diagnostics Nichols Institute San Juan Capistrano); PubMed 34782259 (cited by Quest Diagnostics Nichols Institute San Juan Capistrano and Women's Health and Genetics/Laboratory Corporation of America, LabCorp); PubMed 30577776 (cited by Quest Diagnostics Nichols Institute San Juan Capistrano); PubMed 32483343 (cited by Quest Diagnostics Nichols Institute San Juan Capistrano); PubMed 32060344 (cited by Quest Diagnostics Nichols Institute San Juan Capistrano); PubMed 15084222 (cited by Women's Health and Genetics/Laboratory Corporation of America, LabCorp); PubMed 16801189 (cited by Counsyl); PubMed 10376575 (cited by Counsyl); PubMed 15486385 (cited by Counsyl); PubMed 17407489 (cited by Counsyl); PubMed 11180668 (cited by ClinVar Staff, National Center for Biotechnology Information (NCBI)).